The following is an entry in ClinVar:

NM_177924.5(ASAH1):c.1027C>A (p.Arg343Ser)

Gene: ASAH1 (N-acylsphingosine amidohydrolase 1; minus strand). Cytogenetic location: 8p22.
Variant type: single nucleotide variant.
Coding change: c.1027C>A on transcript NM_177924.5 (MANE Select); coding-DNA position 1027, C replaced by A.
Protein change: p.Arg343Ser; replaces arginine 343 with serine.
Molecular consequence: missense variant.
Genome position (GRCh38, 1-based): chr8:18,059,355, G>T on the plus strand (C>A on the coding strand, the complement: ASAH1 is on the minus strand). VCF-style: chr8-18059355-G-T. GRCh37 (hg19) VCF-style: chr8-17916864-G-T.
Other names: c.1009C>A, p.Arg337Ser (NM_001127505.3); c.832C>A, p.Arg278Ser (NM_001363743.2); c.1075C>A, p.Arg359Ser (NM_004315.6); short protein forms R278S, R337S, R343S, R359S.
Identifiers: ClinVar variation 2190583 (VCV002190583.1), dbSNP rs781150929, ClinGen allele CA173140017.

ClinVar aggregate classification (germline): Uncertain significance (1 of 4 stars; one submission).

Submission:

Labcorp Genetics (formerly Invitae), Labcorp
Classification: Uncertain significance. Last evaluated: 2022-06-14. Review status: criteria provided, single submitter. Criteria: Invitae Variant Classification Sherloc (09022015). Collection method: clinical testing. Allele origin: germline.
Comment: This sequence change replaces arginine, which is basic and polar, with serine, which is neutral and polar, at codon 343 of the ASAH1 protein (p.Arg343Ser). This variant is not present in population databases (gnomAD no frequency). This variant has not been reported in the literature in individuals affected with ASAH1-related conditions. Algorithms developed to predict the effect of missense changes on protein structure and function (SIFT, PolyPhen-2, Align-GVGD) all suggest that this variant is likely to be tolerated. In summary, the available evidence is currently insufficient to determine the role of this variant in disease. Therefore, it has been classified as a Variant of Uncertain Significance.